The following is an entry in ClinVar:

ClinVar aggregate classification (germline): Uncertain significance (1 of 4 stars; one submission).

Allele frequency attached by ClinVar (database versions not stated): gnomAD exomes below 0.00001.
gnomAD v4.1: 1 of 1,613,638 alleles (0.000062%); highest among the groups gnomAD compares: Non-Finnish European, 0.000085%; no homozygotes.

Submission:

GeneDx
Classification: Uncertain significance. Last evaluated: 2026-10-01. Review status: criteria provided, single submitter. Criteria: GeneDx Variant Classification Process June 2021. Collection method: clinical testing. Allele origin: germline.
Comment: Not observed at significant frequency in large population cohorts (gnomAD); In silico analysis supports that this missense variant has a deleterious effect on protein structure/function; Has not been previously published as pathogenic or benign to our knowledge

NM_003923.3(FOXH1):c.257C>T (p.Ser86Phe)

Gene: FOXH1 (forkhead box H1; minus strand). Cytogenetic location: 8q24.3.
Variant type: single nucleotide variant.
Coding change: c.257C>T on transcript NM_003923.3 (MANE Select); coding-DNA position 257, C replaced by T.
Protein change: p.Ser86Phe; replaces serine 86 with phenylalanine.
Molecular consequence: missense variant.
Genome position (GRCh38, 1-based): chr8:144,475,179, G>A on the plus strand (C>T on the coding strand, the complement: FOXH1 is on the minus strand). VCF-style: chr8-144475179-G-A. GRCh37 (hg19) VCF-style: chr8-145700562-G-A.
Other names: short protein forms S86F.
Identifiers: ClinVar variation 1804238 (VCV001804238.2), dbSNP rs1287757787, ClinGen allele CA372725590.